The following is an entry in ClinVar:

NM_025179.4(PLXNA2):c.1332C>T (p.Ser444=)

Gene: PLXNA2 (plexin A2; minus strand). Cytogenetic location: 1q32.2.
Variant type: single nucleotide variant.
Coding change: c.1332C>T on transcript NM_025179.4 (MANE Select); coding-DNA position 1332, C replaced by T.
Protein change: p.Ser444=; no amino-acid change (serine 444 retained).
Molecular consequence: synonymous variant.
Genome position (GRCh38, 1-based): chr1:208,210,319, G>A on the plus strand (C>T on the coding strand, the complement: PLXNA2 is on the minus strand). VCF-style: chr1-208210319-G-A. GRCh37 (hg19) VCF-style: chr1-208383664-G-A.
Identifiers: ClinVar variation 4979178 (VCV004979178.1).

ClinVar aggregate classification (germline): Likely benign (1 of 4 stars; one submission).

Conditions:
PLXNA2-related disorder. Also called: PLXNA2-related condition.

gnomAD v4.1: 16 of 1,613,802 alleles (0.00099%); highest among the groups gnomAD compares: East Asian, 0.018%; no homozygotes.

Submission:

PreventionGenetics, part of Exact Sciences
Classification: Likely benign for PLXNA2-related condition. Last evaluated: 2025-08-12. Review status: criteria provided, single submitter. Criteria: ACMG Guidelines, 2015. Collection method: clinical testing. Allele origin: germline.
Comment: This variant is classified as likely benign based on ACMG/AMP sequence variant interpretation guidelines (Richards et al. 2015 PMID: 25741868, with internal and published modifications).